The following is an entry in ClinVar:

ClinVar aggregate classification (germline): Uncertain significance (1 of 4 stars; one submission).

Allele frequency attached by ClinVar (database versions not stated): gnomAD exomes below 0.00001.
gnomAD v4.1: 1 of 1,614,176 alleles (0.000062%); highest among the groups gnomAD compares: South Asian, 0.0011%; no homozygotes.

Submission:

Labcorp Genetics (formerly Invitae), Labcorp
Classification: Uncertain significance. Last evaluated: 2022-08-21. Review status: criteria provided, single submitter. Criteria: Invitae Variant Classification Sherloc (09022015). Collection method: clinical testing. Allele origin: germline.
Comment: In summary, the available evidence is currently insufficient to determine the role of this variant in disease. Therefore, it has been classified as a Variant of Uncertain Significance. Algorithms developed to predict the effect of missense changes on protein structure and function (SIFT, PolyPhen-2, Align-GVGD) all suggest that this variant is likely to be tolerated. This variant has not been reported in the literature in individuals affected with SLC25A38-related conditions. This variant is present in population databases (no rsID available, gnomAD 0.003%). This sequence change replaces threonine, which is neutral and polar, with alanine, which is neutral and non-polar, at codon 80 of the SLC25A38 protein (p.Thr80Ala).

NM_017875.4(SLC25A38):c.238A>G (p.Thr80Ala)

Gene: SLC25A38 (solute carrier family 25 member 38; plus strand). Cytogenetic location: 3p22.1.
Variant type: single nucleotide variant.
Coding change: c.238A>G on transcript NM_017875.4 (MANE Select); coding-DNA position 238, A replaced by G.
Protein change: p.Thr80Ala; replaces threonine 80 with alanine.
Molecular consequence: missense variant.
Genome position (GRCh38, 1-based): chr3:39,390,469, A>G. VCF-style: chr3-39390469-A-G. GRCh37 (hg19) VCF-style: chr3-39431960-A-G.
Other names: c.238A>G, p.Thr80Ala (NM_001354798.2); short protein forms T80A.
Identifiers: ClinVar variation 2025835 (VCV002025835.4), dbSNP rs1189108054, ClinGen allele CA352199607.